The following is an entry in ClinVar:

NM_000179.3(MSH6):c.3173-2A>G

Gene: MSH6 (mutS homolog 6; plus strand). Cytogenetic location: 2p16.3.
Variant type: single nucleotide variant.
Coding change: c.3173-2A>G on transcript NM_000179.3 (MANE Select); the canonical splice acceptor site of the intron before coding-DNA position 3173, A replaced by G.
Molecular consequence: splice acceptor variant. On other transcripts: intron variant (1).
Genome position (GRCh38, 1-based): chr2:47,803,418, A>G. VCF-style: chr2-47803418-A-G. GRCh37 (hg19) VCF-style: chr2-48030557-A-G.
Other names: c.3173-2A>G (NM_001406809.1, NM_001406796.1, NM_001406808.1 and 1 more transcripts); c.2267-2A>G (NM_001406811.1, NM_001406814.1, NM_001281493.2 and 6 more transcripts); c.2876-2A>G (NM_001406805.1, NM_001406797.1, NM_001406801.1 and 10 more transcripts); c.3269-2A>G (NM_001406795.1, NM_001406802.1); c.3179-2A>G (NM_001406813.1); c.2648-2A>G (NM_001406807.1, NM_001406799.1, NM_001406806.1); c.3173-176A>G (NM_001406798.1); c.2309-2A>G (NM_001406803.1); and 7 more.
Identifiers: ClinVar variation 1728461 (VCV001728461.2), dbSNP rs1553331242, ClinGen allele CA346757806.

ClinVar aggregate classification (germline): Pathogenic (1 of 4 stars; one submission).

Conditions:
Hereditary cancer-predisposing syndrome. Also called: Tumor predisposition; Neoplastic Syndromes, Hereditary; Hereditary Cancer Syndrome; Hereditary neoplastic syndrome. Identifiers: Orphanet 140162, MedGen C0027672, MeSH D009386, MONDO:0015356.

Submission:

Ambry Genetics
Classification: Pathogenic for Hereditary cancer-predisposing syndrome. Last evaluated: 2018-03-05. Review status: criteria provided, single submitter. Criteria: Ambry Variant Classification Scheme 2023. Collection method: clinical testing. Allele origin: germline.
Comment: The c.3173-2A>G intronic pathogenic mutation results from an A to G substitution two nucleotides upstream from coding exon 5 in the MSH6 gene. This nucleotide position is highly conserved in available vertebrate species. A different splicing substitution at the same nucleotide (c.3173-2A>C) was identified in a patient with MSI-H endometrial cancer that demonstrated loss of MSH6 by IHC analysis (Leenen CH et al. Gynecol. Oncol. 2012 May;125:414-20). In addition to the clinical data presented in the literature, alterations that disrupt the canonical splice site are expected to cause aberrant splicing, resulting in an abnormal protein or a transcript that is subject to nonsense-mediated mRNA decay. As such, this alteration is classified as a disease-causing mutation.

Literature cited by the submitters: PubMed 22306203.